The following is an entry in ClinVar:

NM_001079866.2(BCS1L):c.498C>T (p.Thr166=)

Gene: BCS1L (BCS1 ubiquinol-cytochrome c reductase complex chaperone; plus strand). Cytogenetic location: 2q35.
Variant type: single nucleotide variant.
Coding change: c.498C>T on transcript NM_001079866.2 (MANE Select); coding-DNA position 498, C replaced by T.
Protein change: p.Thr166=; no amino-acid change (threonine 166 retained).
Molecular consequence: synonymous variant. On other transcripts: 5 prime UTR variant (6), non-coding transcript variant (1).
Genome position (GRCh38, 1-based): chr2:218,661,796, C>T. VCF-style: chr2-218661796-C-T. GRCh37 (hg19) VCF-style: chr2-219526519-C-T.
Other names: c.498C>T, p.Thr166= (NM_001257342.2, NM_001257343.2, NM_001257344.2 and 10 more transcripts); c.138C>T, p.Thr46= (NM_001318836.2, NM_001371451.1); c.-4C>T (NM_001371452.1, NM_001371453.1, NM_001371454.1 and 3 more transcripts).
Identifiers: ClinVar variation 753429 (VCV000753429.34), dbSNP rs144714144, ClinGen allele CA2109685.

ClinVar aggregate classification (germline): Likely benign. Review status: criteria provided, multiple submitters, no conflicts (2 of 4 stars). 3 submissions from 3 submitters: Likely benign (3). Last evaluated 2025-12-29.

Allele frequency attached by ClinVar (database versions not stated): TOPMed 0.00002; ESP Exome Variant Server 0.00008; 1000 Genomes Project 30x 0.00016; 1000 Genomes Project 0.00020.
gnomAD v4.1: 38 of 1,611,456 alleles (0.0024%); highest among the groups gnomAD compares: East Asian, 0.0067%; no homozygotes.

Submissions (3):

Labcorp Genetics (formerly Invitae), Labcorp
Classification: Likely benign. Last evaluated: 2025-12-29. Review status: criteria provided, single submitter. Criteria: Invitae Variant Classification Sherloc (09022015). Collection method: clinical testing. Allele origin: germline.

Blueprint Genetics
Classification: Likely benign. Last evaluated: 2024-05-10. Review status: criteria provided, single submitter. Criteria: ACMG Guidelines, 2015. Collection method: clinical testing. Allele origin: germline.

CeGaT Center for Human Genetics Tuebingen
Classification: Likely benign. Last evaluated: 2023-11-01. Review status: criteria provided, single submitter. Criteria: CeGaT Center For Human Genetics Tuebingen Variant Classification Criteria Version 2. Collection method: clinical testing. Allele origin: germline. Affected: yes. Observed: 1 variant allele.
Comment: BCS1L: BP4, BP7